The following is an entry in ClinVar:

NM_000834.5(GRIN2B):c.1744C>T (p.Pro582Ser)

Gene: GRIN2B (glutamate ionotropic receptor NMDA type subunit 2B; minus strand). Cytogenetic location: 12p13.1.
Variant type: single nucleotide variant.
Coding change: c.1744C>T on transcript NM_000834.5 (MANE Select); coding-DNA position 1744, C replaced by T.
Protein change: p.Pro582Ser; replaces proline 582 with serine.
Molecular consequence: missense variant.
Genome position (GRCh38, 1-based): chr12:13,611,761, G>A on the plus strand (C>T on the coding strand, the complement: GRIN2B is on the minus strand). VCF-style: chr12-13611761-G-A. GRCh37 (hg19) VCF-style: chr12-13764695-G-A.
Other names: c.1744C>T, p.Pro582Ser (NM_001413992.1); short protein forms P582S.
Identifiers: ClinVar variation 2574146 (VCV002574146.1), dbSNP rs2497590357, ClinGen allele CA384051449.

ClinVar aggregate classification (germline): Likely pathogenic (1 of 4 stars; one submission).

Submission:

Institute of Human Genetics, FAU Erlangen, Friedrich-Alexander-Universität Erlangen-Nürnberg
Classification: Likely pathogenic. Last evaluated: 2023-08-01. Review status: criteria provided, single submitter. Criteria: Hauer et al. (Genet Med. 2018). Collection method: clinical testing. Allele origin: germline. Inheritance: Autosomal dominant inheritance. Affected: yes. Observed: 1 variant allele.
Comment: This variant has been identified by standard clinical testing. de novo Selected ACMG criteria: Likely pathogenic (II):PP3;PP2;PM2;PS2